The following is an entry in ClinVar:

ClinVar aggregate classification (germline): Pathogenic (1 of 4 stars; one submission).

Conditions:
Ataxia-telangiectasia syndrome (AT). Also called: ATAXIA-TELANGIECTASIA, COMPLEMENTATION GROUP A; ATAXIA-TELANGIECTASIA, FRESNO VARIANT; Ataxia-telangiectasia, complementation group D; LOUIS-BAR SYNDROME; AT, COMPLEMENTATION GROUP C; Ataxia-telangiectasia. Identifiers: Orphanet 100, MedGen C0004135, MONDO:0008840, OMIM 208900.

Submission:

Labcorp Genetics (formerly Invitae), Labcorp
Classification: Pathogenic for Ataxia-telangiectasia syndrome. Last evaluated: 2024-01-06. Review status: criteria provided, single submitter. Criteria: Invitae Variant Classification Sherloc (09022015). Collection method: clinical testing. Allele origin: germline.
Comment: This sequence change creates a premature translational stop signal (p.Ser644Hisfs*5) in the ATM gene. It is expected to result in an absent or disrupted protein product. Loss-of-function variants in ATM are known to be pathogenic (PMID: 23807571, 25614872). This variant is not present in population databases (gnomAD no frequency). This variant has not been reported in the literature in individuals affected with ATM-related conditions. For these reasons, this variant has been classified as Pathogenic.

Literature cited by the submitters: PubMed 23807571; PubMed 25614872.

NM_000051.4(ATM):c.1930del (p.Ser644fs)

Gene: ATM (ATM serine/threonine kinase; plus strand). Cytogenetic location: 11q22.3.
Variant type: Deletion.
Coding change: c.1930del on transcript NM_000051.4 (MANE Select); coding-DNA position 1930, one base deleted (T; older notation c.1930delT).
Protein change: p.Ser644fs; shifts the reading frame from serine 644.
Molecular consequence: frameshift variant.
Genome position (GRCh38, 1-based): chr11:108,253,845, T deleted; the last of 3 consecutive T bases (chr11:108,253,843-108,253,845); deleting any one gives the same sequence. VCF-style (leftmost placement, unchanged base first): chr11-108253842-CT-C. GRCh37 (hg19) VCF-style: chr11-108124569-CT-C.
Other names: c.1930del, p.Ser644fs (NM_001351834.2); short protein forms S644fs.
Identifiers: ClinVar variation 2707924 (VCV002707924.3), dbSNP rs2497310250, ClinGen allele CA2697548960.
Genomic context (GRCh38, chr11:108,253,842, plus strand): 5'-GTTTATATATTAAAGATCTTACTTTCTTGAAGTGAACACCACCAAAAAGATAAAGAAGAA[CT>C]TTCATTCTCAGAAGTAGAAGAACTATTTCTTCAGACAACTTTTGACAAGATGGACTTTTT-3'